The following is an entry in ClinVar:

NM_004304.5(ALK):c.4076A>G (p.Tyr1359Cys)

Gene: ALK (ALK receptor tyrosine kinase; minus strand). Cytogenetic location: 2p23.2.
Variant type: single nucleotide variant.
Coding change: c.4076A>G on transcript NM_004304.5 (MANE Select); coding-DNA position 4076, A replaced by G.
Protein change: p.Tyr1359Cys; replaces tyrosine 1359 with cysteine.
Molecular consequence: missense variant.
Genome position (GRCh38, 1-based): chr2:29,196,858, T>C on the plus strand (A>G on the coding strand, the complement: ALK is on the minus strand). VCF-style: chr2-29196858-T-C. GRCh37 (hg19) VCF-style: chr2-29419724-T-C.
Other names: c.872A>G, p.Tyr291Cys (NM_001353765.2); short protein forms Y1359C, Y291C.
Identifiers: ClinVar variation 1023179 (VCV001023179.10), dbSNP rs748787875, ClinGen allele CA1593668.
Genomic context (GRCh38, chr2:29,196,858, plus strand): 5'-ATGATGGCAAAGTTGGGCCTGTCTTCAGGCTGATGTTGCCAGCACTGAGTCATTATCCGG[T>C]ATCTAAAAGAAGAAGCACATTAATTAAAATAAGGAGAAGCACAATGATGAAAAATATATT-3'
Protein context (NP_004295.2, residues 1349-1369): DPPKNCPGPV[Tyr1359Cys]RIMTQCWQHQ

ClinVar aggregate classification (germline): Uncertain significance. Review status: criteria provided, multiple submitters, no conflicts (2 of 4 stars). 2 submissions from 2 submitters: Uncertain significance (2). Last evaluated 2024-11-12.

Conditions:
Hereditary cancer-predisposing syndrome. Also called: Hereditary neoplastic syndrome; Neoplastic Syndromes, Hereditary; Tumor predisposition; Hereditary Cancer Syndrome. Identifiers: Orphanet 140162, MedGen C0027672, MeSH D009386, MONDO:0015356.
Neuroblastoma, susceptibility to, 3. Also called: ALK-Related Neuroblastic Tumor Susceptibility. Identifiers: Orphanet 635, MedGen C2751681, MONDO:0013083, OMIM 613014.

Allele frequency attached by ClinVar (database versions not stated): gnomAD exomes below 0.00001 and 0.00002; ExAC 0.00001; TOPMed 0.00002.
gnomAD v4.1: 6 of 1,610,304 alleles (0.00037%); highest among the groups gnomAD compares: Admixed American, 0.0083%; no homozygotes.

Submissions (2):

Labcorp Genetics (formerly Invitae), Labcorp
Classification: Uncertain significance for Neuroblastoma, susceptibility to, 3. Last evaluated: 2024-11-12. Review status: criteria provided, single submitter. Criteria: Invitae Variant Classification Sherloc (09022015). Collection method: clinical testing. Allele origin: germline.
Comment: This sequence change replaces tyrosine, which is neutral and polar, with cysteine, which is neutral and slightly polar, at codon 1359 of the ALK protein (p.Tyr1359Cys). This variant is present in population databases (rs748787875, gnomAD 0.01%). This variant has not been reported in the literature in individuals affected with ALK-related conditions. ClinVar contains an entry for this variant (Variation ID: 1023179). An algorithm developed to predict the effect of missense changes on protein structure and function (PolyPhen-2) suggests that this variant is likely to be disruptive. In summary, the available evidence is currently insufficient to determine the role of this variant in disease. Therefore, it has been classified as a Variant of Uncertain Significance.

Ambry Genetics
Classification: Uncertain significance for Hereditary cancer-predisposing syndrome. Last evaluated: 2024-05-16. Review status: criteria provided, single submitter. Criteria: Ambry Variant Classification Scheme 2023. Collection method: clinical testing. Allele origin: germline.
Comment: The p.Y1359C variant (also known as c.4076A>G), located in coding exon 28 of the ALK gene, results from an A to G substitution at nucleotide position 4076. The tyrosine at codon 1359 is replaced by cysteine, an amino acid with highly dissimilar properties. This amino acid position is highly conserved in available vertebrate species. In addition, this alteration is predicted to be deleterious by in silico analysis. Since supporting evidence is limited at this time, the clinical significance of this alteration remains unclear.